The following is an entry in ClinVar:

NC_000016.10:g.(?_23603162)_(23603669_?)del

Gene: PALB2 (partner and localizer of BRCA2; minus strand). Cytogenetic location: 16p12.2.
Variant type: Deletion.
Other names: NM_024675.3(PALB2):c.3351-?_*297del.
Identifiers: ClinVar variation 2498119 (VCV002498119.2).

ClinVar aggregate classification (germline): Pathogenic (3 of 4 stars; one submission).

Conditions:
PALB2-related cancer predisposition. Identifiers: MedGen CN377761, MONDO:0700272.

Submission:

ClinGen Hereditary Breast, Ovarian and Pancreatic Cancer Variant Curation Expert Panel, ClinGen
Classification: Pathogenic for PALB2-related cancer predisposition. Last evaluated: 2025-06-16. Review status: reviewed by expert panel. Criteria: ClinGen HBOP ACMG Specifications PALB2 V1.1.0. Collection method: curation. Allele origin: germline. Inheritance: Autosomal dominant inheritance.
Comment: The c.3351-?_*297del (Ex13del) is a deletion variant of the final exon of PALB2 that is not predicted to undergo nonsense-mediated decay, but results in the deletion of part of the WD40 domain which is a functionally important region. The deleted region contains the most C-terminus pathogenic alteration (PALB2 p.Tyr1183*) as classified by the HBOP VCEP, and is expected to be more deleterious. This variant is absent in gnomAD v.4.1.0. In summary, this variant meets criteria to be classified as pathogenic for autosomal dominant PALB2-related cancer predisposition and autosomal recessive FANCN based on the ACMG/AMP criteria applied as specified by the HBOP VCEP. (PVS1, PM5_Supporting, PM2_Supporting)